The following is an entry in ClinVar:

NM_015602.4(TOR1AIP1):c.366G>A (p.Met122Ile)

Genes: TOR1AIP1 (torsin 1A interacting protein 1; plus strand), LOC112577517 (Sharpr-MPRA regulatory region 13766; plus strand). Cytogenetic location: 1q25.2.
Variant type: single nucleotide variant.
Coding change: c.366G>A on transcript NM_015602.4 (MANE Select); coding-DNA position 366, G replaced by A.
Protein change: p.Met122Ile; replaces methionine 122 with isoleucine.
Molecular consequence: missense variant.
Genome position (GRCh38, 1-based): chr1:179,882,868, G>A. VCF-style: chr1-179882868-G-A. GRCh37 (hg19) VCF-style: chr1-179852003-G-A.
Other names: c.366G>A, p.Met122Ile (NM_001267578.2); short protein forms M122I.
Identifiers: ClinVar variation 1013984 (VCV001013984.2), dbSNP rs766817911, ClinGen allele CA1268728.

ClinVar aggregate classification (germline): Uncertain significance (1 of 4 stars; one submission).

Conditions:
Autosomal recessive limb-girdle muscular dystrophy type 2Y (MRRSDC). Also called: Muscular dystrophy, autosomal recessive, with rigid spine and distal joint contractures; Muscular dystrophy, limb-girdle, type 2y. Identifiers: Orphanet 424261, MedGen C4511482, MONDO:0014900, OMIM 617072.

Allele frequency attached by ClinVar (database versions not stated): TOPMed below 0.00001; gnomAD 0.00001; gnomAD exomes 0.00001; ExAC 0.00002.

Submission:

Labcorp Genetics (formerly Invitae), Labcorp
Classification: Uncertain significance for Autosomal recessive limb-girdle muscular dystrophy type 2Y. Last evaluated: 2021-08-26. Review status: criteria provided, single submitter. Criteria: Invitae Variant Classification Sherloc (09022015). Collection method: clinical testing. Allele origin: germline.
Comment: This sequence change replaces methionine with isoleucine at codon 122 of the TOR1AIP1 protein (p.Met122Ile). The methionine residue is weakly conserved and there is a small physicochemical difference between methionine and isoleucine. This variant is present in population databases (rs766817911, ExAC 0.01%). This variant has not been reported in the literature in individuals affected with TOR1AIP1-related conditions. Algorithms developed to predict the effect of missense changes on protein structure and function are either unavailable or do not agree on the potential impact of this missense change (SIFT: "Deleterious"; PolyPhen-2: "Probably Damaging"; Align-GVGD: "Class C0"). In summary, the available evidence is currently insufficient to determine the role of this variant in disease. Therefore, it has been classified as a Variant of Uncertain Significance.